The following is an entry in ClinVar:

ClinVar aggregate classification (germline): Uncertain significance (1 of 4 stars; one submission).

Submission:

Labcorp Genetics (formerly Invitae), Labcorp
Classification: Uncertain significance. Last evaluated: 2022-07-19. Review status: criteria provided, single submitter. Criteria: Invitae Variant Classification Sherloc (09022015). Collection method: clinical testing. Allele origin: germline.
Comment: This variant is not present in population databases (gnomAD no frequency). This variant has not been reported in the literature in individuals affected with CPLANE1-related conditions. ClinVar contains an entry for this variant (Variation ID: 1488467). Advanced modeling of protein sequence and biophysical properties (such as structural, functional, and spatial information, amino acid conservation, physicochemical variation, residue mobility, and thermodynamic stability) performed at Invitae indicates that this missense variant is not expected to disrupt CPLANE1 protein function. In summary, the available evidence is currently insufficient to determine the role of this variant in disease. Therefore, it has been classified as a Variant of Uncertain Significance. This sequence change replaces valine, which is neutral and non-polar, with leucine, which is neutral and non-polar, at codon 755 of the CPLANE1 protein (p.Val755Leu).

NM_001384732.1(CPLANE1):c.2263G>T (p.Val755Leu)

Gene: CPLANE1 (ciliogenesis and planar polarity effector complex subunit 1; minus strand). Cytogenetic location: 5p13.2.
Variant type: single nucleotide variant.
Coding change: c.2263G>T on transcript NM_001384732.1 (MANE Select); coding-DNA position 2263, G replaced by T.
Protein change: p.Val755Leu; replaces valine 755 with leucine.
Molecular consequence: missense variant.
Genome position (GRCh38, 1-based): chr5:37,226,332, C>A on the plus strand (G>T on the coding strand, the complement: CPLANE1 is on the minus strand). VCF-style: chr5-37226332-C-A. GRCh37 (hg19) VCF-style: chr5-37226434-C-A.
Other names: c.2263G>T, p.Val755Leu (NM_023073.4); short protein forms V755L.
Identifiers: ClinVar variation 1488467 (VCV001488467.8), dbSNP rs1286064292, ClinGen allele CA359494659.
Genomic context (GRCh38, chr5:37,226,332, plus strand): 5'-TAGTATCCCAGTATTAAAATAAGTGATTATACCTGTGTCCTGGCTGTTGCACAGGATTTA[C>A]TACTTGAGGATGAATCTTGAAAAATGAGTTCCAAGACCAGTTTTTCTGAAAACCACTATC-3'
Protein context (NP_001371661.1, residues 745-765): NSFFKIHPQV[Val755Leu]NPVQQPGHRL